The following is an entry in ClinVar:

NM_001034852.3(SMOC1):c.812G>A (p.Cys271Tyr)

Genes: SMOC1 (SPARC related modular calcium binding 1; plus strand), LOC126861980 (MED14-independent group 3 enhancer GRCh37_chr14:70477330-70478529; plus strand). Cytogenetic location: 14q24.2.
Variant type: single nucleotide variant.
Coding change: c.812G>A on transcript NM_001034852.3 (MANE Select); coding-DNA position 812, G replaced by A.
Protein change: p.Cys271Tyr; replaces cysteine 271 with tyrosine.
Molecular consequence: missense variant.
Genome position (GRCh38, 1-based): chr14:70,010,901, G>A. VCF-style: chr14-70010901-G-A. GRCh37 (hg19) VCF-style: chr14-70477618-G-A.
Other names: c.812G>A, p.Cys271Tyr (NM_022137.6); short protein forms C271Y.
Identifiers: ClinVar variation 562136 (VCV000562136.2), dbSNP rs1566709825, ClinGen allele CA390208843.

ClinVar aggregate classification (germline): Likely pathogenic (0 of 4 stars; one submission).

Conditions:
Microphthalmia with limb anomalies (MLA). Also called: ANOPHTHALMIA-SYNDACTYLY; OPHTHALMOACROMELIC SYNDROME; MICROPHTHALMIA AND LIMB ANOMALIES. Identifiers: Orphanet 1106, MedGen C0599973, MONDO:0008800, OMIM 206920.

Submission:

Laboratory of Medical Genetics, University of Torino
Classification: Likely pathogenic for Microphthalmia with limb anomalies. Review status: no assertion criteria provided. Collection method: literature only. Allele origin: inherited. Affected: yes. Observed: 3 variant alleles.
Comment: Found in homozygosity

Literature cited by the submitters: PubMed 28085523.